The following is an entry in ClinVar:

ClinVar aggregate classification (germline): Pathogenic (1 of 4 stars; one submission).

Conditions:
Cerebral cavernous malformation (CCM). Also called: CAVERNOUS ANGIOMA, FAMILIAL; CAVERNOUS ANGIOMATOUS MALFORMATIONS; CEREBRAL CAPILLARY MALFORMATIONS; Cavernous Hemangioma of Brain; Cerebral cavernous malformations; Cerebral cavernous hemangioma (type). Identifiers: Orphanet 221061, MedGen C2919945, MONDO:0000820, OMIM 116860, HP:0033522.

Submission:

Labcorp Genetics (formerly Invitae), Labcorp
Classification: Pathogenic for Cerebral cavernous malformation. Last evaluated: 2023-01-11. Review status: criteria provided, single submitter. Criteria: Invitae Variant Classification Sherloc (09022015). Collection method: clinical testing. Allele origin: germline.
Comment: This sequence change creates a premature translational stop signal (p.Leu135*) in the KRIT1 gene. It is expected to result in an absent or disrupted protein product. Loss-of-function variants in KRIT1 are known to be pathogenic (PMID: 10508515, 11222804, 12404106, 24689081). This variant is not present in population databases (gnomAD no frequency). This variant has not been reported in the literature in individuals affected with KRIT1-related conditions. For these reasons, this variant has been classified as Pathogenic.

Literature cited by the submitters: PubMed 10508515; PubMed 11222804; PubMed 12404106; PubMed 24689081.

NM_194454.3(KRIT1):c.404T>A (p.Leu135Ter)

Gene: KRIT1 (KRIT1 ankyrin repeat containing; minus strand). Cytogenetic location: 7q21.2.
Variant type: single nucleotide variant.
Coding change: c.404T>A on transcript NM_194454.3 (MANE Select); coding-DNA position 404, T replaced by A.
Protein change: p.Leu135Ter; replaces leucine 135 with a stop codon.
Molecular consequence: nonsense. On other transcripts: 5 prime UTR variant (1).
Genome position (GRCh38, 1-based): chr7:92,236,494, A>T on the plus strand (T>A on the coding strand, the complement: KRIT1 is on the minus strand). VCF-style: chr7-92236494-A-T. GRCh37 (hg19) VCF-style: chr7-91865808-A-T.
Other names: c.404T>A, p.Leu135Ter (NM_001350696.1, NM_001350697.1, NM_004912.4 and 29 more transcripts); c.-180T>A (NM_001350671.1); short protein forms L135*.
Identifiers: ClinVar variation 2028184 (VCV002028184.4), dbSNP rs2536042810, ClinGen allele CA368162470.
Genomic context (GRCh38, chr7:92,236,494, plus strand): 5'-CTTGCTGTAAGTGTAGCAAAATGAGTACTGGATTCACTACAGACTCGCATAATATCTTGT[A>T]AGCAGTAAAAAATTGGGCATCCTGGGGTATATGTGTATTTAGTATTATCTGAAAAAGAAA-3'